The following is an entry in ClinVar:

ClinVar aggregate classification (germline): Likely benign (0 of 4 stars; one submission).

Conditions:
PTPRO-related disorder. Also called: PTPRO-related condition.

Submission:

PreventionGenetics, part of Exact Sciences
Classification: Likely benign for PTPRO-related condition. Last evaluated: 2023-01-04. Review status: no assertion criteria provided. Collection method: clinical testing. Allele origin: germline.
Comment: This variant is classified as likely benign based on ACMG/AMP sequence variant interpretation guidelines (Richards et al. 2015 PMID: 25741868, with internal and published modifications).

NM_030667.3(PTPRO):c.2438-10A>C

Gene: PTPRO (protein tyrosine phosphatase receptor type O; plus strand). Cytogenetic location: 12p12.3.
Variant type: single nucleotide variant.
Coding change: c.2438-10A>C on transcript NM_030667.3 (MANE Select); 10 bases into the intron before coding-DNA position 2438, A replaced by C.
Molecular consequence: intron variant.
Genome position (GRCh38, 1-based): chr12:15,551,541, A>C. VCF-style: chr12-15551541-A-C. GRCh37 (hg19) VCF-style: chr12-15704475-A-C.
Other names: c.2438-10A>C (NM_002848.4); c.5-10A>C (NM_030671.3, NM_030669.3, NM_030670.3 and 1 more transcripts).
Identifiers: ClinVar variation 3048263 (VCV003048263.2), dbSNP rs2540046015, ClinGen allele CA2740092343.